The following is an entry in ClinVar:

NM_001365536.1(SCN9A):c.*920T>A

Genes: SCN1A-AS1 (SCN1A and SCN9A antisense RNA 1; plus strand), SCN9A (sodium voltage-gated channel alpha subunit 9; minus strand). Cytogenetic location: 2q24.3.
Variant type: single nucleotide variant.
Coding change: c.*920T>A on transcript NM_001365536.1 (MANE Select); 920 bases downstream of the stop codon, T replaced by A.
Molecular consequence: 3 prime UTR variant.
Genome position (GRCh38, 1-based): chr2:166,197,752, A>T on the plus strand (T>A on the coding strand, the complement: SCN9A is on the minus strand). VCF-style: chr2-166197752-A-T. GRCh37 (hg19) VCF-style: chr2-167054262-A-T.
Other names: c.*920T>A (NM_002977.4).
Identifiers: ClinVar variation 331941 (VCV000331941.6), dbSNP rs201424899, ClinGen allele CA10611621.

ClinVar aggregate classification (germline): Benign/Likely benign. Review status: criteria provided, single submitter (1 of 4 stars). 3 submissions from 1 submitter: Benign (2); Likely benign (1). Last evaluated 2018-01-13.

Conditions:
Channelopathy-associated congenital insensitivity to pain, autosomal recessive. Also called: Insensitivity to pain, channelopathy-associated; ASYMBOLIA FOR PAIN; CONGENITAL ANALGESIA, AUTOSOMAL RECESSIVE. Identifiers: Orphanet 88642, Orphanet 970, MedGen C1855739, MONDO:0009459, OMIM 243000.
Primary erythromelalgia. Also called: SCN9A Erythromelalgia (SCN9A-EM); primary erythermalgia. Identifiers: Orphanet 306577, Orphanet 90026, MedGen C0014805, MONDO:0007571, OMIM 133020.
Paroxysmal extreme pain disorder (PEXPD). Also called: PAIN, SUBMANDIBULAR, OCULAR, AND RECTAL, WITH FLUSHING; RECTAL PAIN, FAMILIAL; SCN9A Paroxysmal Extreme Pain Disorder (SCN9A-PEPD). Identifiers: Orphanet 46348, MedGen C1833661, MONDO:0008179, OMIM 167400.

Allele frequency attached by ClinVar (database versions not stated): gnomAD below 0.00001 and 0.00019; TOPMed 0.00003; 1000 Genomes Project 30x 0.00187; 1000 Genomes Project 0.00200.

Submissions (3):

Illumina Laboratory Services, Illumina
Classification: Likely benign for Channelopathy-associated congenital insensitivity to pain, autosomal recessive. Last evaluated: 2018-01-13. Review status: criteria provided, single submitter. Criteria: ICSL Variant Classification Criteria 13 December 2019. Collection method: clinical testing. Allele origin: germline.
Comment: This variant was observed in the ICSL laboratory as part of a predisposition screen in an ostensibly healthy population. It had not been previously curated by ICSL or reported in the Human Gene Mutation Database (HGMD: prior to June 1st, 2018), and was therefore a candidate for classification through an automated scoring system. Utilizing variant allele frequency, disease prevalence and penetrance estimates, and inheritance mode, an automated score was calculated to assess if this variant is too frequent to cause the disease. Based on the score and internal cut-off values, a variant classified as likely benign is not then subjected to further curation. The score for this variant resulted in a classification of likely benign for this disease.

Illumina Laboratory Services, Illumina
Classification: Benign for Primary erythromelalgia. Last evaluated: 2018-01-13. Review status: criteria provided, single submitter. Criteria: ICSL Variant Classification Criteria 13 December 2019. Collection method: clinical testing. Allele origin: germline.
Comment: This variant was observed in the ICSL laboratory as part of a predisposition screen in an ostensibly healthy population. It had not been previously curated by ICSL or reported in the Human Gene Mutation Database (HGMD: prior to June 1st, 2018), and was therefore a candidate for classification through an automated scoring system. Utilizing variant allele frequency, disease prevalence and penetrance estimates, and inheritance mode, an automated score was calculated to assess if this variant is too frequent to cause the disease. Based on the score and internal cut-off values, a variant classified as benign is not then subjected to further curation. The score for this variant resulted in a classification of benign for this disease.

Illumina Laboratory Services, Illumina
Classification: Benign for Paroxysmal extreme pain disorder. Last evaluated: 2018-01-13. Review status: criteria provided, single submitter. Criteria: ICSL Variant Classification Criteria 13 December 2019. Collection method: clinical testing. Allele origin: germline.
Comment: the same text as in the submission from Illumina Laboratory Services, Illumina above.